The following is an entry in ClinVar:

ClinVar aggregate classification (germline): Benign. Review status: criteria provided, multiple submitters, no conflicts (2 of 4 stars). 2 submissions from 2 submitters: Benign (2). Last evaluated 2018-06-14.

Allele frequency attached by ClinVar (database versions not stated): 1000 Genomes Project 0.50000; 1000 Genomes Project 30x 0.51140; gnomAD 0.52925 and 0.53820; TOPMed 0.54454.
gnomAD v4.1: 284,671 of 596,696 alleles (48%); highest among the groups gnomAD compares: African/African-American, 75%; 71,183 homozygotes.

Submissions (2):

GeneDx
Classification: Benign. Last evaluated: 2018-06-14. Review status: criteria provided, single submitter. Criteria: GeneDx Variant Classification (06012015). Collection method: clinical testing. Allele origin: germline. Affected: yes.
Comment: This variant is considered likely benign or benign based on one or more of the following criteria: it is a conservative change, it occurs at a poorly conserved position in the protein, it is predicted to be benign by multiple in silico algorithms, and/or has population frequency not consistent with disease.

Breakthrough Genomics
Classification: Benign. Review status: criteria provided, single submitter. Criteria: ACMG Guidelines, 2015. Collection method: not provided. Allele origin: germline. Inheritance: Autosomal recessive inheritance. Affected: yes.

NM_006440.5(TXNRD2):c.950-220A>G

Gene: TXNRD2 (thioredoxin reductase 2; minus strand). Cytogenetic location: 22q11.21.
Variant type: single nucleotide variant.
Coding change: c.950-220A>G on transcript NM_006440.5 (MANE Select); 220 bases into the intron before coding-DNA position 950, A replaced by G.
Molecular consequence: intron variant.
Genome position (GRCh38, 1-based): chr22:19,883,681, T>C on the plus strand (A>G on the coding strand, the complement: TXNRD2 is on the minus strand). VCF-style: chr22-19883681-T-C. GRCh37 (hg19) VCF-style: chr22-19871204-T-C.
Other names: c.947-220A>G (NM_001352300.2); c.662-220A>G (NM_001352302.2); c.860-220A>G (NM_001352301.2).
Identifiers: ClinVar variation 678643 (VCV000678643.2), dbSNP rs5992492, ClinGen allele CA14920342.